The following is an entry in ClinVar:

ClinVar aggregate classification (germline): Pathogenic (1 of 4 stars; one submission).

Conditions:
Hereditary hemochromatosis (HFE). Identifiers: MedGen C0392514, MONDO:0006507. Disease mechanism: loss of function.

Submission:

Labcorp Genetics (formerly Invitae), Labcorp
Classification: Pathogenic for Hereditary hemochromatosis. Last evaluated: 2022-06-23. Review status: criteria provided, single submitter. Criteria: Invitae Variant Classification Sherloc (09022015). Collection method: clinical testing. Allele origin: germline.
Comment: For these reasons, this variant has been classified as Pathogenic. This variant has not been reported in the literature in individuals affected with TFR2-related conditions. This sequence change creates a premature translational stop signal (p.Tyr84*) in the TFR2 gene. It is expected to result in an absent or disrupted protein product. Loss-of-function variants in TFR2 are known to be pathogenic (PMID: 23600741, 26029709). This variant is not present in population databases (gnomAD no frequency).

Literature cited by the submitters: PubMed 23600741; PubMed 26029709.

NM_003227.4(TFR2):c.252C>A (p.Tyr84Ter)

Gene: TFR2 (transferrin receptor 2; minus strand). Cytogenetic location: 7q22.1.
Variant type: single nucleotide variant.
Coding change: c.252C>A on transcript NM_003227.4 (MANE Select); coding-DNA position 252, C replaced by A.
Protein change: p.Tyr84Ter; replaces tyrosine 84 with a stop codon.
Molecular consequence: nonsense.
Genome position (GRCh38, 1-based): chr7:100,641,010, G>T on the plus strand (C>A on the coding strand, the complement: TFR2 is on the minus strand). VCF-style: chr7-100641010-G-T. GRCh37 (hg19) VCF-style: chr7-100238633-G-T.
Other names: short protein forms Y84*.
Identifiers: ClinVar variation 2009645 (VCV002009645.4), dbSNP rs776441721, ClinGen allele CA368537982.